The following is an entry in ClinVar:

ClinVar aggregate classification (germline): Uncertain significance. Review status: criteria provided, multiple submitters, no conflicts (2 of 4 stars). 2 submissions from 2 submitters: Uncertain significance (2). Last evaluated 2023-05-26.

Conditions:
CUX1-related disorder. Also called: CUX1-related condition.

Allele frequency attached by ClinVar (database versions not stated): TOPMed below 0.00001; gnomAD 0.00001.
gnomAD v4.1: 13 of 1,513,708 alleles (0.00086%); highest among the groups gnomAD compares: South Asian, 0.0025%; no homozygotes.

Submissions (2):

GeneDx
Classification: Uncertain significance. Last evaluated: 2023-05-26. Review status: criteria provided, single submitter. Criteria: GeneDx Variant Classification Process June 2021. Collection method: clinical testing. Allele origin: germline. Affected: yes.
Comment: Has not been previously published as pathogenic or benign to our knowledge; In silico analysis supports that this missense variant has a deleterious effect on protein structure/function; Reported using an alternate transcript of the gene

PreventionGenetics, part of Exact Sciences
Classification: Uncertain significance for CUX1-related condition. Last evaluated: 2023-05-18. Review status: criteria provided, single submitter. Criteria: ACMG Guidelines, 2015. Collection method: clinical testing. Allele origin: germline.
Comment: The CUX1 c.1432C>T variant is predicted to result in the amino acid substitution p.Arg478Cys. To our knowledge, this variant has not been reported in the literature or in a large population database, indicating this variant is rare. At this time, the clinical significance of this variant is uncertain due to the absence of conclusive functional and genetic evidence.

NM_001913.5(CUX1):c.1570C>T (p.Arg524Cys)

Gene: CUX1 (cut like homeobox 1; plus strand). Cytogenetic location: 7q22.1.
Variant type: single nucleotide variant.
Coding change: c.1570C>T on transcript NM_001913.5 (MANE Plus Clinical); coding-DNA position 1570, C replaced by T.
Protein change: p.Arg524Cys; replaces arginine 524 with cysteine.
Molecular consequence: missense variant.
Genome position (GRCh38, 1-based): chr7:102,277,955, C>T. VCF-style: chr7-102277955-C-T. GRCh37 (hg19) VCF-style: chr7-101921226-C-T.
Other names: c.1522C>T, p.Arg508Cys (NM_001202544.3); c.1432C>T, p.Arg478Cys (NM_001202545.3); c.1453C>T, p.Arg485Cys (NM_001202546.3); c.1564C>T, p.Arg522Cys (NM_181500.4); short protein forms R478C, R485C, R508C, R522C, R524C.
Identifiers: ClinVar variation 2636051 (VCV002636051.2), dbSNP rs1288866751, ClinGen allele CA368679117.
Genomic context (GRCh38, chr7:102,277,955, plus strand): 5'-TGTGCCAGCACGGAGGCCTCTCCCCCACCCCTTTCCTTGCCCCTCCCCCCCCAGGAGAAC[C>T]GCCTGGCCCAGCACACCCTCCAGGCCCTGCAGAGTGAGCTGGACAGCCTGCGCGCCGACA-3'
Protein context (NP_001904.2, residues 514-534): ARNQELEAEN[Arg524Cys]LAQHTLQALQ